The following is an entry in ClinVar:

ClinVar aggregate classification (germline): Uncertain significance (1 of 4 stars; one submission).

Allele frequency attached by ClinVar (database versions not stated): gnomAD exomes below 0.00001.

Submission:

Ambry Genetics
Classification: Uncertain significance. Last evaluated: 2024-09-16. Review status: criteria provided, single submitter. Criteria: Ambry Variant Classification Scheme 2023. Collection method: clinical testing. Allele origin: germline.
Comment: The p.K298M variant (also known as c.893A>T), located in coding exon 9 of the BUB1 gene, results from an A to T substitution at nucleotide position 893. The lysine at codon 298 is replaced by methionine, an amino acid with similar properties. This amino acid position is conserved. In addition, this alteration is predicted to be tolerated by in silico analysis. Since supporting evidence is limited at this time, the clinical significance of this alteration remains unclear.

NM_004336.5(BUB1):c.893A>T (p.Lys298Met)

Gene: BUB1 (BUB1 mitotic checkpoint serine/threonine kinase; minus strand). Cytogenetic location: 2q13.
Variant type: single nucleotide variant.
Coding change: c.893A>T on transcript NM_004336.5 (MANE Select); coding-DNA position 893, A replaced by T.
Protein change: p.Lys298Met; replaces lysine 298 with methionine.
Molecular consequence: missense variant.
Genome position (GRCh38, 1-based): chr2:110,666,327, T>A on the plus strand (A>T on the coding strand, the complement: BUB1 is on the minus strand). VCF-style: chr2-110666327-T-A. GRCh37 (hg19) VCF-style: chr2-111423904-T-A.
Other names: c.833A>T, p.Lys278Met (NM_001278616.2); c.893A>T, p.Lys298Met (NM_001278617.2); short protein forms K278M, K298M.
Identifiers: ClinVar variation 1765175 (VCV001765175.3), dbSNP rs2468025903, ClinGen allele CA348216510.
Genomic context (GRCh38, chr2:110,666,327, plus strand): 5'-GACCTTTCCTGGGAAGCGGGCAGATCCTCATGGGATGTCTCCACCACCTGATGCAACTTC[T>A]TATGAAGTTCATCCATTTTCTGTTTTAATAGCTGTTCTTCAAAAGCATTTGCTTCTTTCC-3'
Protein context (NP_004327.1, residues 288-308): LLKQKMDELH[Lys298Met]KLHQVVETSH